The following is an entry in ClinVar:

ClinVar aggregate classification (germline): Uncertain significance. Review status: criteria provided, multiple submitters, no conflicts (2 of 4 stars). 6 submissions from 6 submitters: Uncertain significance (6). Last evaluated 2025-12-27.

Conditions:
Classic or attenuated familial adenomatous polyposis. Identifiers: MedGen CN372698, MONDO:0021057.
Hereditary cancer-predisposing syndrome. Also called: Hereditary neoplastic syndrome; Hereditary Cancer Syndrome; Neoplastic Syndromes, Hereditary; Tumor predisposition. Identifiers: Orphanet 140162, MedGen C0027672, MeSH D009386, MONDO:0015356.
Familial adenomatous polyposis 1 (FAP1). Also called: FAMILIAL ADENOMATOUS POLYPOSIS 1, ATTENUATED; POLYPOSIS, ADENOMATOUS INTESTINAL. Identifiers: MedGen C2713442, MONDO:0021056, OMIM 175100. Disease mechanism: loss of function.

Allele frequency attached by ClinVar (database versions not stated): gnomAD exomes below 0.00001; gnomAD 0.00001; TOPMed 0.00001.
gnomAD v4.1: 9 of 1,613,910 alleles (0.00056%); highest among the groups gnomAD compares: Non-Finnish European, 0.00076%; no homozygotes.

Submissions (6):

Labcorp Genetics (formerly Invitae), Labcorp
Classification: Uncertain significance for Familial adenomatous polyposis 1. Last evaluated: 2025-12-27. Review status: criteria provided, single submitter. Criteria: Invitae Variant Classification Sherloc (09022015). Collection method: clinical testing. Allele origin: germline.
Comment: This sequence change replaces serine, which is neutral and polar, with phenylalanine, which is neutral and non-polar, at codon 2270 of the APC protein (p.Ser2270Phe). This variant is not present in population databases (gnomAD no frequency). This variant has not been reported in the literature in individuals affected with APC-related conditions. ClinVar contains an entry for this variant (Variation ID: 236636). Invitae Evidence Modeling of protein sequence and biophysical properties (such as structural, functional, and spatial information, amino acid conservation, physicochemical variation, residue mobility, and thermodynamic stability) indicates that this missense variant is not expected to disrupt APC protein function with a negative predictive value of 95%. In summary, the available evidence is currently insufficient to determine the role of this variant in disease. Therefore, it has been classified as a Variant of Uncertain Significance.

Ambry Genetics
Classification: Uncertain significance for Hereditary cancer-predisposing syndrome. Last evaluated: 2025-05-05. Review status: criteria provided, single submitter. Criteria: Ambry Variant Classification Scheme 2023. Collection method: clinical testing. Allele origin: germline.
Comment: The p.S2270F variant (also known as c.6809C>T), located in coding exon 15 of the APC gene, results from a C to T substitution at nucleotide position 6809. The serine at codon 2270 is replaced by phenylalanine, an amino acid with highly dissimilar properties. This amino acid position is well conserved in available vertebrate species. In addition, in silico predictors for this gene do not accurately predict pathogenicity. Missense alterations in APC are not a common cause of disease (Spier I et al. Genet Med. 2024 Feb;26(2):100992). Based on the available evidence, the clinical significance of this variant remains unclear.

GeneDx
Classification: Uncertain significance. Last evaluated: 2023-09-07. Review status: criteria provided, single submitter. Criteria: GeneDx Variant Classification Process June 2021. Collection method: clinical testing. Allele origin: germline. Affected: yes.
Comment: Not observed at significant frequency in large population cohorts (gnomAD); In silico analysis supports that this missense variant does not alter protein structure/function; Has not been previously published as pathogenic or benign to our knowledge; This variant is associated with the following publications: (PMID: 18199528)

Baylor Genetics
Classification: Uncertain significance for Familial adenomatous polyposis 1. Last evaluated: 2023-07-28. Review status: criteria provided, single submitter. Criteria: ACMG Guidelines, 2015. Collection method: clinical testing. Allele origin: unknown.

All of Us Research Program, National Institutes of Health
Classification: Uncertain significance for Classic or attenuated familial adenomatous polyposis. Last evaluated: 2023-03-04. Review status: criteria provided, single submitter. Criteria: ACMG Guidelines, 2015. Collection method: clinical testing. Allele origin: germline. Inheritance: Autosomal dominant inheritance. Observed: 1 variant allele, 1 heterozygote.
Comment: This study involves interpretation of variants in research participants for the purpose of population health screening. Participant phenotype was not available at the time of variant classification. Additional details can be found in publication PMID: 35346344, PMCID: PMC8962531

Color Diagnostics, LLC DBA Color Health
Classification: Uncertain significance for Hereditary cancer-predisposing syndrome. Last evaluated: 2019-01-24. Review status: criteria provided, single submitter. Criteria: ACMG Guidelines, 2015. Collection method: clinical testing. Allele origin: germline.

NM_000038.6(APC):c.6809C>T (p.Ser2270Phe)

Gene: APC (APC regulator of Wnt signaling pathway; plus strand). Cytogenetic location: 5q22.2.
Variant type: single nucleotide variant.
Coding change: c.6809C>T on transcript NM_000038.6 (MANE Select); coding-DNA position 6809, C replaced by T.
Protein change: p.Ser2270Phe; replaces serine 2270 with phenylalanine.
Molecular consequence: missense variant.
Genome position (GRCh38, 1-based): chr5:112,842,403, C>T. VCF-style: chr5-112842403-C-T. GRCh37 (hg19) VCF-style: chr5-112178100-C-T.
Other names: c.6809C>T, p.Ser2270Phe (NM_001127510.3, NM_001354895.2); c.6755C>T, p.Ser2252Phe (NM_001127511.3); c.6863C>T, p.Ser2288Phe (NM_001354896.2); c.6839C>T, p.Ser2280Phe (NM_001354897.2); c.6734C>T, p.Ser2245Phe (NM_001354898.2); c.6725C>T, p.Ser2242Phe (NM_001354899.2); c.6686C>T, p.Ser2229Phe (NM_001354900.2); c.6632C>T, p.Ser2211Phe (NM_001354901.2); and 5 more; short protein forms S2252F, S2270F, S2169F, S2245F, S2179F, S2242F, S2288F, S1987F.
Identifiers: ClinVar variation 236636 (VCV000236636.24), dbSNP rs878853466, ClinGen allele CA10582336.